The following is an entry in ClinVar:

ClinVar aggregate classification (germline): Uncertain significance (1 of 4 stars; one submission).

gnomAD v4.1: 7 of 1,614,044 alleles (0.00043%); highest among the groups gnomAD compares: East Asian, 0.0022%; no homozygotes.

Submission:

Dasa
Classification: Uncertain significance. Last evaluated: 2025-10-30. Review status: criteria provided, single submitter. Criteria: DASA Assertion Criteria. Collection method: clinical testing. Allele origin: germline.
Comment: NM_004817.4(TJP2):c.2411C>T (p.Thr804Ile) is a missense variant that results in the substitution of threonine with isoleucine. This variant is rare in population databases. The currently available literature and clinical evidence are not sufficient to establish a definitive association between this variant and the reported condition. Therefore, this variant is classified as a variant of uncertain significance.

NM_004817.4(TJP2):c.2411C>T (p.Thr804Ile)

Gene: TJP2 (tight junction protein 2; plus strand). Cytogenetic location: 9q21.11.
Variant type: single nucleotide variant.
Coding change: c.2411C>T on transcript NM_004817.4 (MANE Select); coding-DNA position 2411, C replaced by T.
Protein change: p.Thr804Ile; replaces threonine 804 with isoleucine.
Molecular consequence: missense variant.
Genome position (GRCh38, 1-based): chr9:69,239,992, C>T. VCF-style: chr9-69239992-C-T. GRCh37 (hg19) VCF-style: chr9-71854908-C-T.
Other names: c.2342C>T, p.Thr781Ile (NM_001170414.2, NM_001369871.1); c.2423C>T, p.Thr808Ile (NM_001170415.1, NM_001369874.1, NM_001369875.1); c.2504C>T, p.Thr835Ile (NM_001170416.2); c.2336C>T, p.Thr779Ile (NM_001369870.1); c.2411C>T, p.Thr804Ile (NM_001369872.1, NM_001369873.1, NM_201629.3); short protein forms T779I, T781I, T804I, T808I, T835I.
Identifiers: ClinVar variation 5020817 (VCV005020817.1).